The following is an entry in ClinVar:

ClinVar aggregate classification (germline): Likely pathogenic. Review status: criteria provided, multiple submitters, no conflicts (2 of 4 stars). 2 submissions from 2 submitters: Likely pathogenic (2). Last evaluated 2026-07-10.

Conditions:
ABCB11-related disorder. Also called: ABCB11-related condition.

Submissions (2):

PreventionGenetics, part of Exact Sciences
Classification: Likely pathogenic for ABCB11-related condition. Last evaluated: 2026-07-10. Review status: criteria provided, single submitter. Criteria: ACMG Guidelines, 2015. Collection method: clinical testing. Allele origin: germline.
Comment: The ABCB11 c.1733delA variant is predicted to result in a frameshift and premature protein termination (p.Lys578Argfs*24). To our knowledge this variant has not been reported in literature or in a large population database (gnomAD), indicating this variant is rare. Frameshift variants in ABCB11 are expected to be pathogenic. This variant is interpreted as likely pathogenic.

Mayo Clinic Laboratories, Mayo Clinic
Classification: Likely pathogenic. Last evaluated: 2024-02-23. Review status: criteria provided, single submitter. Criteria: ACMG Guidelines, 2015. Collection method: clinical testing. Allele origin: germline. Observed: 1 variant allele.
Comment: PM2, PVS1

NM_003742.4(ABCB11):c.1733del (p.Lys578fs)

Gene: ABCB11 (ATP binding cassette subfamily B member 11; minus strand). Cytogenetic location: 2q31.1.
Variant type: Deletion.
Coding change: c.1733del on transcript NM_003742.4 (MANE Select); coding-DNA position 1733, one base deleted (A; older notation c.1733delA).
Protein change: p.Lys578fs; shifts the reading frame from lysine 578.
Molecular consequence: frameshift variant.
Genome position (GRCh38, 1-based): chr2:168,970,121, T deleted on the plus strand (A on the coding strand, the reverse complement: ABCB11 is on the minus strand); the first of 2 consecutive T bases (chr2:168,970,121-168,970,122); deleting either gives the same sequence. VCF-style (leftmost placement, unchanged base first): chr2-168970120-CT-C. GRCh37 (hg19) VCF-style: chr2-169826630-CT-C.
Other names: p.Lys578Argfs*24; c.1733delA (NM_003742.2); short protein forms K578fs.
Identifiers: ClinVar variation 3380953 (VCV003380953.2).
Genomic context (GRCh38, chr2:168,970,120, plus strand): 5'-TTGCACCATGGCTTCACTCTCATTGTCCAGAGCTGAGGTGGCCATGTCCAAAAGCAGAAT[CT>C]TGGGATTTCGGATGAGGGCTCTGGCGATAGCTACCCTTTGTTTCTGGCCACCACTCATCT-3'